The following is an entry in ClinVar:

ClinVar aggregate classification (germline): Uncertain significance (1 of 4 stars; one submission).

Conditions:
Cardiovascular phenotype. Identifiers: MedGen CN230736.

Submission:

Ambry Genetics
Classification: Uncertain significance for Cardiovascular phenotype. Last evaluated: 2023-05-24. Review status: criteria provided, single submitter. Criteria: Ambry Variant Classification Scheme 2023. Collection method: clinical testing. Allele origin: germline.
Comment: The p.Y600* variant (also known as c.1800C>G), located in coding exon 12 of the SCN10A gene, results from a C to G substitution at nucleotide position 1800. This changes the amino acid from a tyrosine to a stop codon within coding exon 12. This alteration is expected to result in protein truncation or nonsense-mediated mRNA decay. However, loss of function of SCN10A has not been established as a mechanism of disease. The evidence for this gene-disease relationship is limited; therefore, the clinical significance of this alteration is unclear.

NM_006514.4(SCN10A):c.1800C>G (p.Tyr600Ter)

Gene: SCN10A (sodium voltage-gated channel alpha subunit 10; minus strand). Cytogenetic location: 3p22.2.
Variant type: single nucleotide variant.
Coding change: c.1800C>G on transcript NM_006514.4 (MANE Select); coding-DNA position 1800, C replaced by G.
Protein change: p.Tyr600Ter; replaces tyrosine 600 with a stop codon.
Molecular consequence: nonsense.
Genome position (GRCh38, 1-based): chr3:38,750,140, G>C on the plus strand (C>G on the coding strand, the complement: SCN10A is on the minus strand). VCF-style: chr3-38750140-G-C. GRCh37 (hg19) VCF-style: chr3-38791631-G-C.
Other names: c.1800C>G, p.Tyr600Ter (NM_001293306.2); c.1506C>G, p.Tyr502Ter (NM_001293307.2); short protein forms Y502*, Y600*.
Identifiers: ClinVar variation 2563720 (VCV002563720.2), dbSNP rs2126021680, ClinGen allele CA352166702.